The following is an entry in ClinVar:

ClinVar aggregate classification (germline): Pathogenic (1 of 4 stars; one submission).

Conditions:
Long QT syndrome (LQTS). Identifiers: MedGen C0023976, MeSH D008133, MONDO:0002442. Disease mechanism: loss of function. Inheritance: Various modes of inheritance.

Submission:

Labcorp Genetics (formerly Invitae), Labcorp
Classification: Pathogenic for Long QT syndrome. Last evaluated: 2026-01-26. Review status: criteria provided, single submitter. Criteria: Invitae Variant Classification Sherloc (09022015). Collection method: clinical testing. Allele origin: germline.
Comment: This sequence change creates a premature translational stop signal (p.Arg1035Profs*84) in the KCNH2 gene. While this is not anticipated to result in nonsense mediated decay, it is expected to disrupt the last 125 amino acid(s) of the KCNH2 protein. This variant is not present in population databases (gnomAD no frequency). This variant has not been reported in the literature in individuals affected with KCNH2-related conditions. ClinVar contains an entry for this variant (Variation ID: 857501). This variant disrupts a region of the KCNH2 protein in which other variant(s) (p.Glu1119*) have been determined to be pathogenic (PMID: 27920829). This suggests that this is a clinically significant region of the protein, and that variants that disrupt it are likely to be disease-causing. For these reasons, this variant has been classified as Pathogenic.

Literature cited by the submitters: PubMed 27920829.

NM_000238.4(KCNH2):c.3103dup (p.Arg1035fs)

Gene: KCNH2 (potassium voltage-gated channel subfamily H member 2; minus strand). Cytogenetic location: 7q36.1.
Variant type: Duplication.
Coding change: c.3103dup on transcript NM_000238.4 (MANE Select); coding-DNA position 3103, one base duplicated (C; older notation c.3103dupC).
Protein change: p.Arg1035fs; shifts the reading frame from arginine 1035.
Molecular consequence: frameshift variant.
Genome position (GRCh38, 1-based): chr7:150,947,377, G duplicated on the plus strand (C on the coding strand, the reverse complement: KCNH2 is on the minus strand); the first of 4 consecutive G bases (chr7:150,947,377-150,947,380); duplicating any one gives the same sequence. VCF-style (leftmost placement, unchanged base first): chr7-150947376-C-CG. GRCh37 (hg19) VCF-style: chr7-150644464-C-CG.
Other names: c.2083dup, p.Arg695fs (NM_172057.3); short protein forms R1035fs, R695fs.
Identifiers: ClinVar variation 857501 (VCV000857501.7), dbSNP rs794728468, ClinGen allele CA916080374.